The following is an entry in ClinVar:

NM_152564.5(VPS13B):c.2698G>A (p.Asp900Asn)

Gene: VPS13B (vacuolar protein sorting 13 homolog B; plus strand). Cytogenetic location: 8q22.2.
Variant type: single nucleotide variant.
Coding change: c.2698G>A on transcript NM_152564.5 (MANE Select); coding-DNA position 2698, G replaced by A.
Protein change: p.Asp900Asn; replaces aspartic acid 900 with asparagine.
Molecular consequence: missense variant.
Genome position (GRCh38, 1-based): chr8:99,275,128, G>A. VCF-style: chr8-99275128-G-A. GRCh37 (hg19) VCF-style: chr8-100287356-G-A.
Other names: c.2698G>A, p.Asp900Asn (NM_017890.5); short protein forms D900N.
Identifiers: ClinVar variation 3253391 (VCV003253391.1), dbSNP rs1437933419.

ClinVar aggregate classification (germline): Uncertain significance (1 of 4 stars; one submission).

Allele frequency attached by ClinVar (database versions not stated): gnomAD exomes below 0.00001; gnomAD 0.00001; TOPMed 0.00001.
gnomAD v4.1: 4 of 1,611,580 alleles (0.00025%); highest among the groups gnomAD compares: African/African-American, 0.0013%; no homozygotes.

Submission:

GeneDx
Classification: Uncertain significance. Last evaluated: 2023-12-19. Review status: criteria provided, single submitter. Criteria: GeneDx Variant Classification Process June 2021. Collection method: clinical testing. Allele origin: germline. Affected: yes.
Comment: Not observed at significant frequency in large population cohorts (gnomAD); In silico analysis supports that this missense variant does not alter protein structure/function; Has not been previously published as pathogenic or benign to our knowledge